The following is an entry in ClinVar:

NM_001303256.3(MORC2):c.187A>G (p.Met63Val)

Gene: MORC2 (MORC family CW-type zinc finger 2; minus strand). Cytogenetic location: 22q12.2.
Variant type: single nucleotide variant.
Coding change: c.187A>G on transcript NM_001303256.3 (MANE Select); coding-DNA position 187, A replaced by G.
Protein change: p.Met63Val; replaces methionine 63 with valine.
Molecular consequence: missense variant. On other transcripts: initiator codon variant (1).
Genome position (GRCh38, 1-based): chr22:30,950,416, T>C on the plus strand (A>G on the coding strand, the complement: MORC2 is on the minus strand). VCF-style: chr22-30950416-T-C. GRCh37 (hg19) VCF-style: chr22-31346402-T-C.
Other names: c.187A>G, p.Met63Val (NM_001303257.2); c.1A>G, p.Met1Val (NM_014941.3); short protein forms M1V, M63V.
Identifiers: ClinVar variation 1709145 (VCV001709145.3), dbSNP rs748092969, ClinGen allele CA411246232.

ClinVar aggregate classification (germline): Uncertain significance (1 of 4 stars; one submission).

Conditions:
Developmental delay, impaired growth, dysmorphic facies, and axonal neuropathy. Identifiers: MedGen C5436781, MONDO:0030835, OMIM 619090.

Submission:

MGZ Medical Genetics Center
Classification: Uncertain significance for Developmental delay, impaired growth, dysmorphic facies, and axonal neuropathy. Last evaluated: 2022-02-09. Review status: criteria provided, single submitter. Criteria: ACMG Guidelines, 2015. Collection method: clinical testing. Allele origin: germline. Affected: yes. Observed: 1 variant allele.
Comment: ACMG criteria applied: PM2_SUP, PP3